The following is an entry in ClinVar:

ClinVar aggregate classification (germline): Pathogenic (1 of 4 stars; one submission).

Conditions:
Fanconi anemia (FA). Also called: Fanconi's anemia. Identifiers: Orphanet 84, MedGen C0015625, MeSH D005199, MONDO:0019391.

Allele frequency attached by ClinVar (database versions not stated): gnomAD exomes below 0.00001; ExAC 0.00001; TOPMed 0.00001.

Submission:

Labcorp Genetics (formerly Invitae), Labcorp
Classification: Pathogenic for Fanconi anemia. Last evaluated: 2022-08-18. Review status: criteria provided, single submitter. Criteria: Invitae Variant Classification Sherloc (09022015). Collection method: clinical testing. Allele origin: germline.
Comment: This sequence change creates a premature translational stop signal (p.Ile503*) in the FANCM gene. It is expected to result in an absent or disrupted protein product. Loss-of-function variants in FANCM are known to be pathogenic (PMID: 29895858, 30075111). This variant is present in population databases (rs764743944, gnomAD 0.007%). This premature translational stop signal has been observed in individual(s) with breast cancer or squamous cell carcinoma (PMID: 28837157, 28975465). For these reasons, this variant has been classified as Pathogenic.

Literature cited by the submitters: PubMed 29895858; PubMed 30075111; PubMed 28837157; PubMed 28975465.

NM_020937.4(FANCM):c.1506_1507insTA (p.Ile503Ter)

Gene: FANCM (FA complementation group M; plus strand). Cytogenetic location: 14q21.2.
Variant type: Insertion.
Coding change: c.1506_1507insTA on transcript NM_020937.4 (MANE Select); coding-DNA positions 1506 to 1507, TA inserted.
Protein change: p.Ile503Ter; replaces isoleucine 503 with a stop codon.
Molecular consequence: nonsense.
Genome position: GRCh38 VCF-style: chr14-45159205-T-TTA. GRCh37 (hg19) VCF-style: chr14-45628408-T-TTA.
Other names: c.1428_1429insTA, p.Ile477Ter (NM_001308133.2); c.1506_1507insTA, p.Ile503Ter (NM_001308134.2); short protein forms I477*, I503*.
Identifiers: ClinVar variation 1909008 (VCV001909008.5), dbSNP rs764743944, ClinGen allele CA7169066.